The following is an entry in ClinVar:

ClinVar aggregate classification (germline): Benign/Likely benign. Review status: criteria provided, multiple submitters, no conflicts (2 of 4 stars). 3 submissions from 3 submitters: Benign (1); Likely benign (2). Last evaluated 2026-01-05.

Allele frequency attached by ClinVar (database versions not stated): ESP Exome Variant Server 0.00169; 1000 Genomes Project 30x 0.00078; 1000 Genomes Project 0.00080; gnomAD 0.00126 and 0.00136; TOPMed 0.00134.
gnomAD v4.1: 368 of 1,574,928 alleles (0.023%); highest among the groups gnomAD compares: African/African-American, 0.42%; 3 homozygotes.

Submissions (3):

Labcorp Genetics (formerly Invitae), Labcorp
Classification: Benign. Last evaluated: 2026-01-05. Review status: criteria provided, single submitter. Criteria: Invitae Variant Classification Sherloc (09022015). Collection method: clinical testing. Allele origin: germline.

Blueprint Genetics
Classification: Likely benign. Last evaluated: 2024-11-26. Review status: criteria provided, single submitter. Criteria: ACMG Guidelines, 2015. Collection method: clinical testing. Allele origin: germline.

GeneDx
Classification: Likely benign. Last evaluated: 2016-09-06. Review status: criteria provided, single submitter. Criteria: GeneDx Variant Classification (06012015). Collection method: clinical testing. Allele origin: germline. Affected: yes.
Comment: This variant is considered likely benign or benign based on one or more of the following criteria: it is a conservative change, it occurs at a poorly conserved position in the protein, it is predicted to be benign by multiple in silico algorithms, and/or has population frequency not consistent with disease.

NM_130837.3(OPA1):c.2872+15G>C

Gene: OPA1 (OPA1 mitochondrial dynamin like GTPase; plus strand). Cytogenetic location: 3q29.
Variant type: single nucleotide variant.
Coding change: c.2872+15G>C on transcript NM_130837.3 (MANE Select); 15 bases into the intron after coding-DNA position 2872, G replaced by C.
Molecular consequence: intron variant.
Genome position (GRCh38, 1-based): chr3:193,666,404, G>C. VCF-style: chr3-193666404-G-C. GRCh37 (hg19) VCF-style: chr3-193384193-G-C.
Other names: c.2335+15G>C (NM_001354664.2); c.2338+15G>C (NM_001354663.2); c.2761+15G>C (NM_130834.3); c.2818+15G>C (NM_130836.3); c.2707+15G>C (NM_015560.3); c.2764+15G>C (NM_130835.3); c.2653+15G>C (NM_130832.3); c.2710+15G>C (NM_130833.3); and 1 more.
Identifiers: ClinVar variation 378312 (VCV000378312.9), dbSNP rs199763700, ClinGen allele CA2759759.